The following is an entry in ClinVar:

ClinVar aggregate classification (germline): Pathogenic/Likely pathogenic. Review status: criteria provided, multiple submitters, no conflicts (2 of 4 stars). 4 submissions from 4 submitters: Pathogenic (1); Likely pathogenic (2). 1 of the submissions does not count toward it. Last evaluated 2025-12-21.

Conditions:
ALG12-congenital disorder of glycosylation (CDG1G). Also called: Congenital disorder of glycosylation, type Ig; CDG Ig; ALG12-CDG. Identifiers: Orphanet 79324, MedGen C2931001, MONDO:0011783, OMIM 607143.

Allele frequency attached by ClinVar (database versions not stated): gnomAD exomes below 0.00001 and 0.00001.
gnomAD v4.1: 7 of 1,614,026 alleles (0.00043%); highest among the groups gnomAD compares: Admixed American, 0.0017%; no homozygotes.

Submissions (4):

Labcorp Genetics (formerly Invitae), Labcorp
Classification: Pathogenic for ALG12-congenital disorder of glycosylation. Last evaluated: 2025-12-21. Review status: criteria provided, single submitter. Criteria: Invitae Variant Classification Sherloc (09022015). Collection method: clinical testing. Allele origin: germline.
Comment: This sequence change replaces threonine, which is neutral and polar, with methionine, which is neutral and non-polar, at codon 67 of the ALG12 protein (p.Thr67Met). This variant is present in population databases (rs121907931, gnomAD 0.003%). This missense change has been observed in individual(s) with ALG12-related conditions (PMID: 12217961, 21315133). In at least one individual the data is consistent with being in trans (on the opposite chromosome) from a pathogenic variant. ClinVar contains an entry for this variant (Variation ID: 3434). Invitae Evidence Modeling of protein sequence and biophysical properties (such as structural, functional, and spatial information, amino acid conservation, physicochemical variation, residue mobility, and thermodynamic stability) indicates that this missense variant is expected to disrupt ALG12 protein function with a positive predictive value of 80%. Experimental studies have shown that this missense change affects ALG12 function (PMID: 12217961). For these reasons, this variant has been classified as Pathogenic.

Fulgent Genetics
Classification: Likely pathogenic for ALG12-congenital disorder of glycosylation. Last evaluated: 2024-03-07. Review status: criteria provided, single submitter. Criteria: ACMG Guidelines, 2015. Collection method: clinical testing. Allele origin: germline.

Women's Health and Genetics/Laboratory Corporation of America, LabCorp
Classification: Likely pathogenic for ALG12-congenital disorder of glycosylation. Last evaluated: 2024-03-06. Review status: criteria provided, single submitter. Criteria: LabCorp Variant Classification Summary - May 2015. Collection method: clinical testing. Allele origin: germline.
Comment: Variant summary: ALG12 c.200C>T (p.Thr67Met) results in a non-conservative amino acid change in the encoded protein sequence. Five of five in-silico tools predict a damaging effect of the variant on protein function. The variant allele was found at a frequency of 4e-06 in 251280 control chromosomes (gnomAD). c.200C>T has been reported in the literature in the compound heterozygous state in at least two in individuals affected with ALG12-Congenital Disorder Of Glycosylation (Grubenmann_2002, Vleugels_2011). These data indicate that the variant may be associated with disease. At least one publication reports experimental evidence evaluating an impact on protein function (Grubenmann_2002). The results showed the variant was unable to fully restore growth in a yeast complementation assay. The following publications have been ascertained in the context of this evaluation (PMID: 12217961, 21315133). ClinVar contains an entry for this variant (Variation ID: 3434). Based on the evidence outlined above, the variant was classified as likely pathogenic.

OMIM
Classification: Pathogenic for CONGENITAL DISORDER OF GLYCOSYLATION, TYPE Ig. Last evaluated: 2002-09-15. Review status: no assertion criteria provided. Collection method: literature only. Allele origin: germline. Not counted in ClinVar's aggregate classification.

Literature cited by the submitters: PubMed 12217961 (cited by 3 submitters); PubMed 21315133 (cited by Labcorp Genetics (formerly Invitae), Labcorp and Women's Health and Genetics/Laboratory Corporation of America, LabCorp).

NM_024105.4(ALG12):c.200C>T (p.Thr67Met)

Gene: ALG12 (ALG12 alpha-1,6-mannosyltransferase; minus strand). Cytogenetic location: 22q13.33.
Variant type: single nucleotide variant.
Coding change: c.200C>T on transcript NM_024105.4 (MANE Select); coding-DNA position 200, C replaced by T.
Protein change: p.Thr67Met; replaces threonine 67 with methionine.
Molecular consequence: missense variant.
Genome position (GRCh38, 1-based): chr22:49,913,480, G>A on the plus strand (C>T on the coding strand, the complement: ALG12 is on the minus strand). VCF-style: chr22-49913480-G-A. GRCh37 (hg19) VCF-style: chr22-50307128-G-A.
Other names: T61M; short protein forms T67M.
Identifiers: ClinVar variation 3434 (VCV000003434.13), dbSNP rs121907931, ClinGen allele CA252770.
Genomic context (GRCh38, chr22:49,913,480, plus strand): 5'-AGCGAAAGCACGTAAACCGCGGGGCTGGAGAACACTGCGATCACCACTGGCCCGAGGAAC[G>A]TCCTGGGGACGACTCCGGGGAACTCAAGATGGTCGTACTGCGAGGAGAAGGGCAGGTCAG-3'
Protein context (NP_077010.1, residues 57-77): HLEFPGVVPR[Thr67Met]FLGPVVIAVF